The following is an entry in ClinVar:

NM_016148.5(SHANK1):c.5849C>G (p.Pro1950Arg)

Gene: SHANK1 (SH3 and multiple ankyrin repeat domains 1; minus strand). Cytogenetic location: 19q13.33.
Variant type: single nucleotide variant.
Coding change: c.5849C>G on transcript NM_016148.5 (MANE Select); coding-DNA position 5849, C replaced by G.
Protein change: p.Pro1950Arg; replaces proline 1950 with arginine.
Molecular consequence: missense variant.
Genome position (GRCh38, 1-based): chr19:50,662,602, G>C on the plus strand (C>G on the coding strand, the complement: SHANK1 is on the minus strand). VCF-style: chr19-50662602-G-C. GRCh37 (hg19) VCF-style: chr19-51165859-G-C.
Other names: short protein forms P1950R.
Identifiers: ClinVar variation 3343503 (VCV003343503.1).

ClinVar aggregate classification (germline): Uncertain significance (1 of 4 stars; one submission).

Submission:

GeneDx
Classification: Uncertain significance. Last evaluated: 2023-05-11. Review status: criteria provided, single submitter. Criteria: GeneDx Variant Classification Process June 2021. Collection method: clinical testing. Allele origin: germline. Affected: yes.
Comment: Not observed at significant frequency in large population cohorts (gnomAD); In silico analysis supports that this missense variant has a deleterious effect on protein structure/function; Has not been previously published as pathogenic or benign to our knowledge